The following is an entry in ClinVar:

NM_007055.4(POLR3A):c.3778A>G (p.Ile1260Val)

Gene: POLR3A (RNA polymerase III subunit A; minus strand). Cytogenetic location: 10q22.3.
Variant type: single nucleotide variant.
Coding change: c.3778A>G on transcript NM_007055.4 (MANE Select); coding-DNA position 3778, A replaced by G.
Protein change: p.Ile1260Val; replaces isoleucine 1260 with valine.
Molecular consequence: missense variant.
Genome position (GRCh38, 1-based): chr10:77,981,541, T>C on the plus strand (A>G on the coding strand, the complement: POLR3A is on the minus strand). VCF-style: chr10-77981541-T-C. GRCh37 (hg19) VCF-style: chr10-79741299-T-C.
Other names: short protein forms I1260V.
Identifiers: ClinVar variation 1505162 (VCV001505162.6), dbSNP rs1306810500, ClinGen allele CA377326759.

ClinVar aggregate classification (germline): Uncertain significance (1 of 4 stars; one submission).

Allele frequency attached by ClinVar (database versions not stated): gnomAD exomes below 0.00001 and 0.00001; gnomAD 0.00001; TOPMed 0.00001.
gnomAD v4.1: 15 of 1,613,932 alleles (0.00093%); highest among the groups gnomAD compares: Admixed American, 0.0017%; no homozygotes.

Submission:

Labcorp Genetics (formerly Invitae), Labcorp
Classification: Uncertain significance. Last evaluated: 2021-11-11. Review status: criteria provided, single submitter. Criteria: Invitae Variant Classification Sherloc (09022015). Collection method: clinical testing. Allele origin: germline.
Comment: This sequence change replaces isoleucine, which is neutral and non-polar, with valine, which is neutral and non-polar, at codon 1260 of the POLR3A protein (p.Ile1260Val). This variant is present in population databases (no rsID available, gnomAD 0.003%). This variant has not been reported in the literature in individuals affected with POLR3A-related conditions. Algorithms developed to predict the effect of missense changes on protein structure and function are either unavailable or do not agree on the potential impact of this missense change (SIFT: "Deleterious"; PolyPhen-2: "Probably Damaging"; Align-GVGD: "Class C0"). In summary, the available evidence is currently insufficient to determine the role of this variant in disease. Therefore, it has been classified as a Variant of Uncertain Significance.